The following is an entry in ClinVar:

ClinVar aggregate classification (germline): Uncertain significance (1 of 4 stars; one submission).

Submission:

Dasa
Classification: Uncertain significance. Last evaluated: 2025-02-26. Review status: criteria provided, single submitter. Criteria: DASA Assertion Criteria. Collection method: clinical testing. Allele origin: germline.
Comment: NM_004606.5(TAF1):c.5450G>C (p.Ser1817Thr) is a missense variant that results in the substitution of serine with threonine. This variant is absent from population databases. Computational prediction algorithms are consistent with a benign effect. The currently available literature and clinical evidence are not sufficient to establish a definitive association between this variant and the reported condition. Therefore, this variant is classified as a variant of uncertain significance.

NM_004606.5(TAF1):c.5450G>C (p.Ser1817Thr)

Gene: TAF1 (TATA-box binding protein associated factor 1; plus strand). Cytogenetic location: Xq13.1.
Variant type: single nucleotide variant.
Coding change: c.5450G>C on transcript NM_004606.5 (MANE Select); coding-DNA position 5450, G replaced by C.
Protein change: p.Ser1817Thr; replaces serine 1817 with threonine.
Molecular consequence: missense variant. On other transcripts: intron variant (3).
Genome position (GRCh38, 1-based): chrX:71,463,874, G>C. VCF-style: chrX-71463874-G-C. GRCh37 (hg19) VCF-style: chrX-70683724-G-C.
Other names: c.5456G>C, p.Ser1819Thr (NM_001286074.2); c.5387G>C, p.Ser1796Thr (NM_138923.4); c.5502-2394G>C (NM_001440852.1); c.5400-2394G>C (NM_001440853.1); c.5337-2394G>C (NM_001440854.1); short protein forms S1796T, S1817T, S1819T.
Identifiers: ClinVar variation 4882355 (VCV004882355.2).